The following is an entry in ClinVar:

NM_020975.6(RET):c.889C>A (p.Arg297Ser)

Gene: RET (ret proto-oncogene; plus strand). Cytogenetic location: 10q11.21.
Variant type: single nucleotide variant.
Coding change: c.889C>A on transcript NM_020975.6 (MANE Select); coding-DNA position 889, C replaced by A.
Protein change: p.Arg297Ser; replaces arginine 297 with serine.
Molecular consequence: missense variant.
Genome position (GRCh38, 1-based): chr10:43,106,397, C>A. VCF-style: chr10-43106397-C-A. GRCh37 (hg19) VCF-style: chr10-43601845-C-A.
Other names: c.889C>A, p.Arg297Ser (NM_000323.2, NM_001406743.1, NM_001406744.1 and 6 more transcripts); c.127C>A, p.Arg43Ser (NM_001355216.2); c.760C>A, p.Arg254Ser (NM_001406761.1, NM_001406762.1, NM_001406764.1 and 1 more transcripts); c.601C>A, p.Arg201Ser (NM_001406766.1, NM_001406767.1, NM_001406770.1); short protein forms R254S, R297S, R201S, R43S.
Identifiers: ClinVar variation 2127520 (VCV002127520.7), dbSNP rs1174031292, ClinGen allele CA376545692.
Genomic context (GRCh38, chr10:43,106,397, plus strand): 5'-ATCTCGCCTGCACTGACCAACGCCCTCTGCATCCTGCAGGACACCGTGGTGGCCACGCTG[C>A]GTGTCTTCGATGCAGACGTGGTACCTGCATCAGGGGAGCTGGTGAGGCGGTACACAAGCA-3'
Protein context (NP_066124.1, residues 287-307): RKEDTVVATL[Arg297Ser]VFDADVVPAS

ClinVar aggregate classification (germline): Uncertain significance. Review status: criteria provided, multiple submitters, no conflicts (2 of 4 stars). 3 submissions from 3 submitters: Uncertain significance (3). Last evaluated 2023-11-20.

Conditions:
Hereditary cancer-predisposing syndrome. Also called: Hereditary neoplastic syndrome; Tumor predisposition; Hereditary Cancer Syndrome; Neoplastic Syndromes, Hereditary. Identifiers: Orphanet 140162, MedGen C0027672, MeSH D009386, MONDO:0015356.
Multiple endocrine neoplasia, type 2 (MEN2). Identifiers: Orphanet 653, MedGen C4048306, MONDO:0019003. Disease mechanism: gain of function.

Allele frequency attached by ClinVar (database versions not stated): TOPMed below 0.00001.
gnomAD v4.1: 1 of 1,612,142 alleles (0.000062%); highest among the groups gnomAD compares: Non-Finnish European, 0.000085%; no homozygotes.

Submissions (3):

All of Us Research Program, National Institutes of Health
Classification: Uncertain significance for Multiple endocrine neoplasia, type 2. Last evaluated: 2023-11-20. Review status: criteria provided, single submitter. Criteria: ACMG Guidelines, 2015. Collection method: clinical testing. Allele origin: germline. Inheritance: Autosomal dominant inheritance. Observed: 2 variant alleles, 2 heterozygotes.
Comment: This missense variant replaces arginine with serine at codon 297 of the RET protein. Computational prediction suggests that this variant may not impact protein structure and function (internally defined REVEL score threshold <= 0.5, PMID: 27666373). To our knowledge, functional studies have not been reported for this variant. This variant has not been reported in individuals affected with RET-related disorders in the literature. This variant has not been identified in the general population by the Genome Aggregation Database (gnomAD). The available evidence is insufficient to determine the role of this variant in disease conclusively. Therefore, this variant is classified as a Variant of Uncertain Significance.

This study involves interpretation of variants in research participants for the purpose of population health screening. Participant phenotype was not available at the time of variant classification. Additional details can be found in publication PMID: 35346344, PMCID: PMC8962531

Ambry Genetics
Classification: Uncertain significance for Hereditary cancer-predisposing syndrome. Last evaluated: 2023-03-16. Review status: criteria provided, single submitter. Criteria: Ambry Variant Classification Scheme 2023. Collection method: clinical testing. Allele origin: germline.
Comment: The p.R297S variant (also known as c.889C>A), located in coding exon 5 of the RET gene, results from a C to A substitution at nucleotide position 889. The arginine at codon 297 is replaced by serine, an amino acid with dissimilar properties. This amino acid position is conserved. In addition, this alteration is predicted to be tolerated by in silico analysis. Since supporting evidence is limited at this time, the clinical significance of this alteration remains unclear.

Labcorp Genetics (formerly Invitae), Labcorp
Classification: Uncertain significance for Multiple endocrine neoplasia, type 2. Last evaluated: 2022-04-18. Review status: criteria provided, single submitter. Criteria: Invitae Variant Classification Sherloc (09022015). Collection method: clinical testing. Allele origin: germline.
Comment: In summary, the available evidence is currently insufficient to determine the role of this variant in disease. Therefore, it has been classified as a Variant of Uncertain Significance. Algorithms developed to predict the effect of missense changes on protein structure and function (SIFT, PolyPhen-2, Align-GVGD) all suggest that this variant is likely to be tolerated. This variant has not been reported in the literature in individuals affected with RET-related conditions. This variant is not present in population databases (gnomAD no frequency). This sequence change replaces arginine, which is basic and polar, with serine, which is neutral and polar, at codon 297 of the RET protein (p.Arg297Ser).